The following is an entry in ClinVar:

NM_025103.4(IFT74):c.1357C>A (p.Leu453Met)

Gene: IFT74 (intraflagellar transport 74; plus strand). Cytogenetic location: 9p21.2.
Variant type: single nucleotide variant.
Coding change: c.1357C>A on transcript NM_025103.4 (MANE Select); coding-DNA position 1357, C replaced by A.
Protein change: p.Leu453Met; replaces leucine 453 with methionine.
Molecular consequence: missense variant.
Genome position (GRCh38, 1-based): chr9:27,055,632, C>A. VCF-style: chr9-27055632-C-A. GRCh37 (hg19) VCF-style: chr9-27055630-C-A.
Other names: c.1357C>A, p.Leu453Met (NM_001099222.3, NM_001099223.3, NM_001349928.2); c.1357C>A (NM_001099222.1, NM_025103.2); short protein forms L453M.
Identifiers: ClinVar variation 1911233 (VCV001911233.5), dbSNP rs201631629, ClinGen allele CA5015654.
Genomic context (GRCh38, chr9:27,055,632, plus strand): 5'-TTTTGATTAATTATCACCTTAAATTCTTATGTTTCAGACATTCAACGTCTGCAGTTGGAT[C>A]TGCAGAAAATGGAGCTTCTAGAAAGTAAGATGACTGAAGAACAGCATTCTCTAAAAAGCA-3'
Protein context (NP_079379.2, residues 443-463): TSDIQRLQLD[Leu453Met]QKMELLESKM

ClinVar aggregate classification (germline): Uncertain significance. Review status: criteria provided, multiple submitters, no conflicts (2 of 4 stars). 4 submissions from 4 submitters: Uncertain significance (3). 1 of the submissions does not count toward it. Last evaluated 2025-04-07.

Conditions:
IFT74-related disorder. Also called: IFT74-related condition; IFT74-Related Disorders.
Inborn genetic diseases. Identifiers: MedGen C0950123, MeSH D030342.

Allele frequency attached by ClinVar (database versions not stated): ESP Exome Variant Server 0.00009.
gnomAD v4.1: 30 of 1,579,740 alleles (0.0019%); highest among the groups gnomAD compares: Middle Eastern, 0.033%; no homozygotes.

Submissions (4):

GeneDx
Classification: Uncertain significance. Last evaluated: 2025-04-07. Review status: criteria provided, single submitter. Criteria: GeneDx Variant Classification Process June 2021. Collection method: clinical testing. Allele origin: germline. Affected: yes.
Comment: In silico analysis indicates that this missense variant does not alter protein structure/function; Has not been previously published as pathogenic or benign to our knowledge

Ambry Genetics
Classification: Uncertain significance for Inborn genetic diseases. Last evaluated: 2025-01-27. Review status: criteria provided, single submitter. Criteria: Ambry Variant Classification Scheme 2023. Collection method: clinical testing. Allele origin: germline.

Labcorp Genetics (formerly Invitae), Labcorp
Classification: Uncertain significance. Last evaluated: 2022-08-16. Review status: criteria provided, single submitter. Criteria: Invitae Variant Classification Sherloc (09022015). Collection method: clinical testing. Allele origin: germline.
Comment: This sequence change replaces leucine, which is neutral and non-polar, with methionine, which is neutral and non-polar, at codon 453 of the IFT74 protein (p.Leu453Met). This variant is present in population databases (rs201631629, gnomAD 0.008%). This variant has not been reported in the literature in individuals affected with IFT74-related conditions. Algorithms developed to predict the effect of missense changes on protein structure and function are either unavailable or do not agree on the potential impact of this missense change (SIFT: "Deleterious"; PolyPhen-2: "Probably Damaging"; Align-GVGD: "Class C0"). In summary, the available evidence is currently insufficient to determine the role of this variant in disease. Therefore, it has been classified as a Variant of Uncertain Significance.

PreventionGenetics, part of Exact Sciences
Classification: Uncertain significance for IFT74-related condition. Last evaluated: 2024-06-17. Review status: no assertion criteria provided. Collection method: clinical testing. Allele origin: germline. Not counted in ClinVar's aggregate classification.
Comment: The IFT74 c.1357C>A variant is predicted to result in the amino acid substitution p.Leu453Met. To our knowledge, this variant has not been reported in the literature. This variant is reported in 0.0068% of alleles in individuals of European (Non-Finnish) descent in gnomAD. At this time, the clinical significance of this variant is uncertain due to the absence of conclusive functional and genetic evidence.